The following is an entry in ClinVar:

ClinVar aggregate classification (germline): Likely benign. Review status: criteria provided, multiple submitters, no conflicts (2 of 4 stars). 2 submissions from 2 submitters: Likely benign (2). Last evaluated 2025-06-26.

Conditions:
SRC-related disorder. Also called: SRC-related condition.

Allele frequency attached by ClinVar (database versions not stated): TOPMed 0.00002; ExAC 0.00004; gnomAD exomes 0.00004 and 0.00006.
gnomAD v4.1: 53 of 1,614,052 alleles (0.0033%); highest among the groups gnomAD compares: Admixed American, 0.027%; no homozygotes.

Submissions (2):

PreventionGenetics, part of Exact Sciences
Classification: Likely benign for SRC-related condition. Last evaluated: 2025-06-26. Review status: criteria provided, single submitter. Criteria: ACMG Guidelines, 2015. Collection method: clinical testing. Allele origin: germline.
Comment: This variant is classified as likely benign based on ACMG/AMP sequence variant interpretation guidelines (Richards et al. 2015 PMID: 25741868, with internal and published modifications).

Labcorp Genetics (formerly Invitae), Labcorp
Classification: Likely benign. Last evaluated: 2018-12-14. Review status: criteria provided, single submitter. Criteria: Invitae Variant Classification Sherloc (09022015). Collection method: clinical testing. Allele origin: germline.

NM_198291.3(SRC):c.429C>T (p.Ser143=)

Gene: SRC (SRC proto-oncogene, non-receptor tyrosine kinase; plus strand). Cytogenetic location: 20q11.23.
Variant type: single nucleotide variant.
Coding change: c.429C>T on transcript NM_198291.3 (MANE Select); coding-DNA position 429, C replaced by T.
Protein change: p.Ser143=; no amino-acid change (serine 143 retained).
Molecular consequence: synonymous variant.
Genome position (GRCh38, 1-based): chr20:37,393,973, C>T. VCF-style: chr20-37393973-C-T. GRCh37 (hg19) VCF-style: chr20-36022376-C-T.
Other names: c.429C>T, p.Ser143= (NM_005417.5).
Identifiers: ClinVar variation 795540 (VCV000795540.4), dbSNP rs781322280, ClinGen allele CA9847752.
Genomic context (GRCh38, chr20:37,393,973, plus strand): 5'-GGCCCACTCGCTCAGCACAGGACAGACAGGCTACATCCCCAGCAACTACGTGGCGCCCTC[C>T]GACTCCATCCAGGCTGAGGAGTGAGTACCGTCTCTGGCTGCCTCTACCCGTCGTCCCTGG-3'
Protein context (NP_938033.1, residues 133-153): GYIPSNYVAP[Ser143=]DSIQAEEWYF